The following is an entry in ClinVar:

NM_145290.4(ADGRA3):c.2741A>G (p.Glu914Gly)

Gene: ADGRA3 (adhesion G protein-coupled receptor A3; minus strand). Cytogenetic location: 4p15.2.
Variant type: single nucleotide variant.
Coding change: c.2741A>G on transcript NM_145290.4 (MANE Select); coding-DNA position 2741, A replaced by G.
Protein change: p.Glu914Gly; replaces glutamic acid 914 with glycine.
Molecular consequence: missense variant.
Genome position (GRCh38, 1-based): chr4:22,388,930, T>C on the plus strand (A>G on the coding strand, the complement: ADGRA3 is on the minus strand). VCF-style: chr4-22388930-T-C. GRCh37 (hg19) VCF-style: chr4-22390553-T-C.
Other names: short protein forms E914G.
Identifiers: ClinVar variation 4770535 (VCV004770535.1).
Genomic context (GRCh38, chr4:22,388,930, plus strand): 5'-TACATGCAGTTTACAAAAGTGATGAAGCTGGCTGGCCCATAGAAGGCTCCCAAGGAGGGT[T>C]CCCATGCCATCCAGCAACTGGAAAAGAAAATGGTAAACCAGATCGATGCTACATGTTTCA-3'
Protein context (NP_660333.2, residues 904-924): PNAPYCWMAW[Glu914Gly]PSLGAFYGPA

ClinVar aggregate classification (germline): Uncertain significance (1 of 4 stars; one submission).

gnomAD v4.1: 3 of 1,612,836 alleles (0.00019%); highest among the groups gnomAD compares: East Asian, 0.0067%; no homozygotes.

Submission:

Labcorp Genetics (formerly Invitae), Labcorp
Classification: Uncertain significance. Last evaluated: 2025-04-23. Review status: criteria provided, single submitter. Criteria: Invitae Variant Classification Sherloc (09022015). Collection method: clinical testing. Allele origin: germline.
Comment: This sequence change replaces glutamic acid, which is acidic and polar, with glycine, which is neutral and non-polar, at codon 914 of the ADGRA3 protein (p.Glu914Gly). This variant is present in population databases (rs749100890, gnomAD 0.006%). This variant has not been reported in the literature in individuals affected with ADGRA3-related conditions. An algorithm developed to predict the effect of missense changes on protein structure and function (PolyPhen-2) suggests that this variant is likely to be disruptive. In summary, the available evidence is currently insufficient to determine the role of this variant in disease. Therefore, it has been classified as a Variant of Uncertain Significance.